The following is an entry in ClinVar:

ClinVar aggregate classification (germline): Uncertain significance (1 of 4 stars; one submission).

Allele frequency attached by ClinVar (database versions not stated): TOPMed below 0.00001.

Submission:

Labcorp Genetics (formerly Invitae), Labcorp
Classification: Uncertain significance. Last evaluated: 2022-11-12. Review status: criteria provided, single submitter. Criteria: Invitae Variant Classification Sherloc (09022015). Collection method: clinical testing. Allele origin: germline.
Comment: This sequence change replaces glutamic acid, which is acidic and polar, with aspartic acid, which is acidic and polar, at codon 556 of the STAG1 protein (p.Glu556Asp). This variant is not present in population databases (gnomAD no frequency). This variant has not been reported in the literature in individuals affected with STAG1-related conditions. Advanced modeling of protein sequence and biophysical properties (such as structural, functional, and spatial information, amino acid conservation, physicochemical variation, residue mobility, and thermodynamic stability) performed at Invitae indicates that this missense variant is not expected to disrupt STAG1 protein function. In summary, the available evidence is currently insufficient to determine the role of this variant in disease. Therefore, it has been classified as a Variant of Uncertain Significance.

NM_005862.3(STAG1):c.1668A>C (p.Glu556Asp)

Gene: STAG1 (STAG1 cohesin complex component; minus strand). Cytogenetic location: 3q22.3.
Variant type: single nucleotide variant.
Coding change: c.1668A>C on transcript NM_005862.3 (MANE Select); coding-DNA position 1668, A replaced by C.
Protein change: p.Glu556Asp; replaces glutamic acid 556 with aspartic acid.
Molecular consequence: missense variant.
Genome position (GRCh38, 1-based): chr3:136,423,027, T>G on the plus strand (A>C on the coding strand, the complement: STAG1 is on the minus strand). VCF-style: chr3-136423027-T-G. GRCh37 (hg19) VCF-style: chr3-136141869-T-G.
Other names: short protein forms E556D.
Identifiers: ClinVar variation 2813830 (VCV002813830.3), dbSNP rs2088004931, ClinGen allele CA354645314.